The following is an entry in ClinVar:

NM_000751.3(CHRND):c.912G>A (p.Met304Ile)

Gene: CHRND (cholinergic receptor nicotinic delta subunit; plus strand). Cytogenetic location: 2q37.1.
Variant type: single nucleotide variant.
Coding change: c.912G>A on transcript NM_000751.3 (MANE Select); coding-DNA position 912, G replaced by A.
Protein change: p.Met304Ile; replaces methionine 304 with isoleucine.
Molecular consequence: missense variant.
Genome position (GRCh38, 1-based): chr2:232,531,443, G>A. VCF-style: chr2-232531443-G-A. GRCh37 (hg19) VCF-style: chr2-233396153-G-A.
Other names: c.867G>A, p.Met289Ile (NM_001256657.2); c.330G>A, p.Met110Ile (NM_001311195.2); c.609G>A, p.Met203Ile (NM_001311196.2); short protein forms M203I, M289I, M304I, M110I.
Identifiers: ClinVar variation 2169229 (VCV002169229.4), dbSNP rs1315084069, ClinGen allele CA351002742.

ClinVar aggregate classification (germline): Uncertain significance (1 of 4 stars; one submission).

Conditions:
Lethal multiple pterygium syndrome (LMPS). Identifiers: Orphanet 33108, MedGen C1854678, MONDO:0009668, OMIM 253290.

Allele frequency attached by ClinVar (database versions not stated): TOPMed below 0.00001; gnomAD 0.00001; gnomAD exomes 0.00001.
gnomAD v4.1: 10 of 1,613,832 alleles (0.00062%); highest among the groups gnomAD compares: Non-Finnish European, 0.00085%; no homozygotes.

Submission:

Labcorp Genetics (formerly Invitae), Labcorp
Classification: Uncertain significance for Lethal multiple pterygium syndrome. Last evaluated: 2022-02-18. Review status: criteria provided, single submitter. Criteria: Invitae Variant Classification Sherloc (09022015). Collection method: clinical testing. Allele origin: germline.
Comment: This sequence change replaces methionine, which is neutral and non-polar, with isoleucine, which is neutral and non-polar, at codon 304 of the CHRND protein (p.Met304Ile). This variant is not present in population databases (gnomAD no frequency). This variant has not been reported in the literature in individuals affected with CHRND-related conditions. Advanced modeling of protein sequence and biophysical properties (such as structural, functional, and spatial information, amino acid conservation, physicochemical variation, residue mobility, and thermodynamic stability) performed at Invitae indicates that this missense variant is not expected to disrupt CHRND protein function. In summary, the available evidence is currently insufficient to determine the role of this variant in disease. Therefore, it has been classified as a Variant of Uncertain Significance.